The following is an entry in ClinVar:

NM_020806.5(GPHN):c.1907dup (p.Gly637fs)

Gene: GPHN (gephyrin; plus strand). Cytogenetic location: 14q23.3.
Variant type: Duplication.
Coding change: c.1907dup on transcript NM_020806.5 (MANE Select); coding-DNA position 1907, one base duplicated (C; older notation c.1907dupC).
Protein change: p.Gly637fs; shifts the reading frame from glycine 637.
Molecular consequence: frameshift variant.
Genome position (GRCh38, 1-based): chr14:67,159,485, C duplicated; the last of 2 consecutive C bases (chr14:67,159,484-67,159,485); duplicating either gives the same sequence. VCF-style (leftmost placement, unchanged base first): chr14-67159483-A-AC. GRCh37 (hg19) VCF-style: chr14-67626200-A-AC.
Other names: c.1808dup, p.Gly604fs (NM_001024218.2); c.1967dup, p.Gly657fs (NM_001377514.1); c.1937dup, p.Gly647fs (NM_001377515.1); c.1928dup, p.Gly644fs (NM_001377516.1); c.1880dup, p.Gly628fs (NM_001377517.1); c.1865dup, p.Gly623fs (NM_001377518.1); c.1847dup, p.Gly617fs (NM_001377519.1); short protein forms G623fs, G657fs, G628fs, G647fs, G604fs, G617fs, G637fs, G644fs.
Identifiers: ClinVar variation 1452267 (VCV001452267.6), dbSNP rs2153717733, ClinGen allele CA2573150095.

ClinVar aggregate classification (germline): Pathogenic (1 of 4 stars; one submission).

Conditions:
Sulfite oxidase deficiency due to molybdenum cofactor deficiency type C. Also called: Molybdenum cofactor deficiency, complementation group C; Molybdenum cofactor deficiency C. Identifiers: Orphanet 308400, Orphanet 833, MedGen C1854990, MONDO:0014212, OMIM 615501.

Submission:

Labcorp Genetics (formerly Invitae), Labcorp
Classification: Pathogenic for Sulfite oxidase deficiency due to molybdenum cofactor deficiency type C. Last evaluated: 2022-07-05. Review status: criteria provided, single submitter. Criteria: Invitae Variant Classification Sherloc (09022015). Collection method: clinical testing. Allele origin: germline.
Comment: For these reasons, this variant has been classified as Pathogenic. ClinVar contains an entry for this variant (Variation ID: 1452267). This variant has not been reported in the literature in individuals affected with GPHN-related conditions. This variant is not present in population databases (gnomAD no frequency). This sequence change creates a premature translational stop signal (p.Gly637Argfs*12) in the GPHN gene. It is expected to result in an absent or disrupted protein product. Loss-of-function variants in GPHN are known to be pathogenic (PMID: 11095995, 23184456, 23393157).

Literature cited by the submitters: PubMed 11095995; PubMed 23184456; PubMed 23393157.